The following is an entry in ClinVar:

ClinVar aggregate classification (germline): Uncertain significance (1 of 4 stars; one submission).

Conditions:
Inborn genetic diseases. Identifiers: MedGen C0950123, MeSH D030342.

Submission:

Ambry Genetics
Classification: Uncertain significance for Inborn genetic diseases. Last evaluated: 2026-05-14. Review status: criteria provided, single submitter. Criteria: Ambry Variant Classification Scheme 2023. Collection method: clinical testing. Allele origin: germline.
Comment: The p.S350T variant (also known as c.1049G>C), located in coding exon 8 of the BMPR2 gene, results from a G to C substitution at nucleotide position 1049. The serine at codon 350 is replaced by threonine, an amino acid with similar properties. This amino acid position is conserved. In addition, the in silico prediction for this alteration is inconclusive. Based on the available evidence, the clinical significance of this variant remains unclear.

NM_001204.7(BMPR2):c.1049G>C (p.Ser350Thr)

Gene: BMPR2 (bone morphogenetic protein receptor type 2; plus strand). Cytogenetic location: 2q33.2.
Variant type: single nucleotide variant.
Coding change: c.1049G>C on transcript NM_001204.7 (MANE Select); coding-DNA position 1049, G replaced by C.
Protein change: p.Ser350Thr; replaces serine 350 with threonine.
Molecular consequence: missense variant.
Genome position (GRCh38, 1-based): chr2:202,530,875, G>C. VCF-style: chr2-202530875-G-C. GRCh37 (hg19) VCF-style: chr2-203395598-G-C.
Other names: short protein forms S350T.
Identifiers: ClinVar variation 4867632 (VCV004867632.1).